The following is an entry in ClinVar:

ClinVar aggregate classification (germline): Uncertain significance (1 of 4 stars; one submission).

Submission:

Labcorp Genetics (formerly Invitae), Labcorp
Classification: Uncertain significance. Last evaluated: 2024-11-28. Review status: criteria provided, single submitter. Criteria: Invitae Variant Classification Sherloc (09022015). Collection method: clinical testing. Allele origin: germline.
Comment: This variant, c.401_402insCGCCTCCGCCGCCGC, results in the insertion of 5 amino acid(s) of the MNX1 protein (p.Ala134_Gly135insAlaSerAlaAlaAla), but otherwise preserves the integrity of the reading frame. The frequency data for this variant in the population databases is considered unreliable, as metrics indicate insufficient coverage at this position in the gnomAD database. This variant has not been reported in the literature in individuals affected with MNX1-related conditions. Experimental studies and prediction algorithms are not available or were not evaluated, and the functional significance of this variant is currently unknown. In summary, the available evidence is currently insufficient to determine the role of this variant in disease. Therefore, it has been classified as a Variant of Uncertain Significance.

NM_005515.4(MNX1):c.401_402insCGCCTCCGCCGCCGC (p.Ala134_Gly135insAlaSerAlaAlaAla)

Genes: MNX1 (motor neuron and pancreas homeobox 1; minus strand), LOC129999736 (ATAC-STARR-seq lymphoblastoid silent region 18858; plus strand). Cytogenetic location: 7q36.3.
Variant type: Microsatellite.
Coding change: c.401_402insCGCCTCCGCCGCCGC on transcript NM_005515.4 (MANE Select); coding-DNA positions 401 to 402, CGCCTCCGCCGCCGC inserted.
Protein change: p.Ala134_Gly135insAlaSerAlaAlaAla.
Molecular consequence: inframe insertion.
Genome position: GRCh38 VCF-style: chr7-157009949-A-AGCGGCGGCGGAGGCG. GRCh37 (hg19) VCF-style: chr7-156802643-A-AGCGGCGGCGGAGGCG.
Identifiers: ClinVar variation 2712001 (VCV002712001.3), dbSNP rs1554594227.